The following is an entry in ClinVar:

NM_000088.4(COL1A1):c.2668-17_2699del

Gene: COL1A1 (collagen type I alpha 1 chain; minus strand). Cytogenetic location: 17q21.33.
Variant type: Deletion.
Coding change: c.2668-17_2699del on transcript NM_000088.4 (MANE Select); 17 bases into the intron before coding-DNA position 2668 through coding-DNA position 2699, 49 bases deleted.
Molecular consequence: splice acceptor variant.
Genome position (GRCh38, 1-based): chr17:50,189,507-50,189,555, 49 bases deleted; deleting any 49 consecutive bases within chr17:50,189,507-50,189,557 gives the same sequence; the c. name uses the placement nearest the transcript's 3' end. GRCh37 (hg19): chr17:48,266,870-48,266,918.
Identifiers: ClinVar variation 3902831 (VCV003902831.1).
Genomic context (GRCh38, chr17:50,189,506, plus strand): 5'-ACCAGGACGTCCAGCAGGGCCAGTCTCACCACGGGGACCTTTGCCGCCTTCTTTGCCAGC[AGGACCAGGAGGGCCAGGGGGTCCAGCATTTCCCTGGATGAGGATAGGAG>A]GGGCTGTCAGACTCCAGGGGGCTCTGGTGCATCATTGGGTCCTCAGTCAGCCCCACCATC-3'

ClinVar aggregate classification (germline): Pathogenic (1 of 4 stars; one submission).

Conditions:
Osteogenesis imperfecta type I (OI1). Also called: OI, TYPE I; OSTEOGENESIS IMPERFECTA TARDA; OSTEOGENESIS IMPERFECTA WITH BLUE SCLERAE; Osteogenesis imperfecta type 1; Classic Non-deforming Osteogenesis Imperfecta with Blue Sclerae; Lobstein's Disease. Identifiers: Orphanet 216796, Orphanet 666, MedGen C0023931, MONDO:0008146, OMIM 166200. Disease mechanism: loss of function.

Submission:

Clinical Biomedical Laboratory, Shriners Hospital For Children - Canada
Classification: Pathogenic for Osteogenesis imperfecta type I. Last evaluated: 2025-05-23. Review status: criteria provided, single submitter. Criteria: ACMG Guidelines, 2015. Collection method: clinical testing. Allele origin: germline. Affected: yes.
Comment: This is a 49 base pair deletion that includes part of exon 39 and the splice junction between intron 38 and exon 39. In the Genome Aggregation Database (gnomAD v2.1.1) this variant is not present. However, variants affecting essential splice sites in COL1A1 are a typical cause of osteogenesis imperfecta.